The following is an entry in ClinVar:

ClinVar aggregate classification (germline): Uncertain significance (1 of 4 stars; one submission).

Allele frequency attached by ClinVar (database versions not stated): ExAC 0.00002; gnomAD 0.00004; gnomAD exomes 0.00006 and 0.00008.
gnomAD v4.1: 118 of 1,613,968 alleles (0.0073%); highest among the groups gnomAD compares: Admixed American, 0.018%; 1 homozygote.

Submission:

Labcorp Genetics (formerly Invitae), Labcorp
Classification: Uncertain significance. Last evaluated: 2021-08-28. Review status: criteria provided, single submitter. Criteria: Invitae Variant Classification Sherloc (09022015). Collection method: clinical testing. Allele origin: germline.
Comment: This sequence change replaces arginine with glutamine at codon 60 of the ALAD protein (p.Arg60Gln). The arginine residue is moderately conserved and there is a small physicochemical difference between arginine and glutamine. This variant is present in population databases (rs200280568, ExAC 0.01%). This variant has not been reported in the literature in individuals affected with ALAD-related conditions. Algorithms developed to predict the effect of missense changes on protein structure and function output the following: SIFT: "Tolerated"; PolyPhen-2: "Benign"; Align-GVGD: "Class C0". The glutamine amino acid residue is found in multiple mammalian species, which suggests that this missense change does not adversely affect protein function. In summary, the available evidence is currently insufficient to determine the role of this variant in disease. Therefore, it has been classified as a Variant of Uncertain Significance.

NM_000031.6(ALAD):c.179G>A (p.Arg60Gln)

Gene: ALAD (aminolevulinate dehydratase; minus strand). Cytogenetic location: 9q32.
Variant type: single nucleotide variant.
Coding change: c.179G>A on transcript NM_000031.6 (MANE Select); coding-DNA position 179, G replaced by A.
Protein change: p.Arg60Gln; replaces arginine 60 with glutamine.
Molecular consequence: missense variant.
Genome position (GRCh38, 1-based): chr9:113,391,609, C>T on the plus strand (G>A on the coding strand, the complement: ALAD is on the minus strand). VCF-style: chr9-113391609-C-T. GRCh37 (hg19) VCF-style: chr9-116153889-C-T.
Other names: c.266G>A, p.Arg89Gln (NM_001003945.3); c.155G>A, p.Arg52Gln (NM_001317745.2); short protein forms R52Q, R60Q, R89Q.
Identifiers: ClinVar variation 1064024 (VCV001064024.6), dbSNP rs200280568, ClinGen allele CA5196578.